The following is an entry in ClinVar:

NM_002397.5(MEF2C):c.559dup (p.Thr187fs)

Gene: MEF2C (myocyte enhancer factor 2C; minus strand). Cytogenetic location: 5q14.3.
Variant type: Duplication.
Coding change: c.559dup on transcript NM_002397.5 (MANE Select); coding-DNA position 559, one base duplicated (A; older notation c.559dupA).
Protein change: p.Thr187fs; shifts the reading frame from threonine 187.
Molecular consequence: frameshift variant.
Genome position (GRCh38, 1-based): chr5:88,751,887, T duplicated on the plus strand (A on the coding strand, the reverse complement: MEF2C is on the minus strand); the first of 2 consecutive T bases (chr5:88,751,887-88,751,888); duplicating either gives the same sequence. VCF-style (leftmost placement, unchanged base first): chr5-88751886-G-GT. GRCh37 (hg19) VCF-style: chr5-88047703-G-GT.
Other names: c.553dup, p.Thr185fs (NM_001131005.2, NM_001364343.2, NM_001364352.2); c.613dup, p.Thr205fs (NM_001193347.1, NM_001364338.2); c.415dup, p.Thr139fs (NM_001193348.1, NM_001193349.3, NM_001364332.2 and 3 more transcripts); c.559dup, p.Thr187fs (NM_001193350.2, NM_001308002.3, NM_001363581.2 and 18 more transcripts); c.181dup, p.Thr61fs (NM_001364353.2, NM_001364356.2); c.133dup, p.Thr45fs (NM_001364357.2); short protein forms T139fs, T185fs, T187fs, T205fs, T45fs, T61fs.
Identifiers: ClinVar variation 1070711 (VCV001070711.7), dbSNP rs2152524628, ClinGen allele CA2499217978.

ClinVar aggregate classification (germline): Pathogenic (1 of 4 stars; one submission).

Conditions:
Neurodevelopmental disorder with hypotonia, stereotypic hand movements, and impaired language. Also called: Intellectual disability, autosomal dominant 20. Identifiers: Orphanet 228384, Orphanet 664410, MedGen C3150700, MONDO:0013266, OMIM 613443.

Submission:

Labcorp Genetics (formerly Invitae), Labcorp
Classification: Pathogenic for Neurodevelopmental disorder with hypotonia, stereotypic hand movements, and impaired language. Last evaluated: 2024-10-14. Review status: criteria provided, single submitter. Criteria: Invitae Variant Classification Sherloc (09022015). Collection method: clinical testing. Allele origin: germline.
Comment: This sequence change creates a premature translational stop signal (p.Thr187Asnfs*9) in the MEF2C gene. It is expected to result in an absent or disrupted protein product. Loss-of-function variants in MEF2C are known to be pathogenic (PMID: 20513142). This variant is not present in population databases (gnomAD no frequency). This variant has not been reported in the literature in individuals affected with MEF2C-related conditions. ClinVar contains an entry for this variant (Variation ID: 1070711). For these reasons, this variant has been classified as Pathogenic.

Literature cited by the submitters: PubMed 20513142.